The following is an entry in ClinVar:

Conditions:
Breast-ovarian cancer, familial, susceptibility to, 1 (BROVCA1). Also called: BRCA1 Hereditary Breast and Ovarian Cancer; OVARIAN CANCER, SUSCEPTIBILITY TO. Identifiers: Orphanet 145, MedGen C2676676, MONDO:0011450, OMIM 604370. Disease mechanism: loss of function.

Submission:

Brotman Baty Institute, University of Washington
No classification provided (evidence only). Condition: Breast-ovarian cancer, familial 1. Review status: no classification provided. Collection method: in vitro. Allele origin: not applicable. Functional consequence: functionally_normal.
ClinVar note: "not provided" was previously submitted as the classification for the variant. However, the classification appeared to be based only on an observation of functional data so it was converted to no classification on 2025-07-30.

NM_007294.4(BRCA1):c.4906A>G (p.Lys1636Glu)

Gene: BRCA1 (BRCA1 DNA repair associated; minus strand). Cytogenetic location: 17q21.31.
Variant type: single nucleotide variant.
Coding change: c.4906A>G on transcript NM_007294.4 (MANE Select); coding-DNA position 4906, A replaced by G.
Protein change: p.Lys1636Glu; replaces lysine 1636 with glutamic acid.
Molecular consequence: missense variant. On other transcripts: non-coding transcript variant (1).
Genome position (GRCh38, 1-based): chr17:43,071,008, T>C on the plus strand (A>G on the coding strand, the complement: BRCA1 is on the minus strand). VCF-style: chr17-43071008-T-C. GRCh37 (hg19) VCF-style: chr17-41223025-T-C.
Other names: c.4693A>G, p.Lys1565Glu (NM_001407571.1, NM_001407896.1, NM_001407897.1 and 12 more transcripts); c.4972A>G, p.Lys1658Glu (NM_001407581.1, NM_001407582.1); c.4969A>G, p.Lys1657Glu (NM_001407583.1, NM_001407585.1, NM_001407587.1 and 1 more transcripts); c.4966A>G, p.Lys1656Glu (NM_001407590.1, NM_001407591.1); c.4906A>G, p.Lys1636Glu (NM_001407593.1, NM_001407594.1, NM_001407596.1 and 8 more transcripts); c.4903A>G, p.Lys1635Glu (NM_001407610.1, NM_001407611.1, NM_001407612.1 and 17 more transcripts); c.4900A>G, p.Lys1634Glu (NM_001407627.1, NM_001407628.1, NM_001407629.1 and 14 more transcripts); c.4897A>G, p.Lys1633Glu (NM_001407645.1, NM_001407644.1); and 70 more; short protein forms K532E, K1657E, K1589E, K1636E, K1567E, K1588E, K1593E, K1608E.
Identifiers: ClinVar variation 865403 (VCV000865403.3), dbSNP rs2052382533, ClinGen allele CA10591712.